The following is an entry in ClinVar:

NM_000090.4(COL3A1):c.3596G>T (p.Gly1199Val)

Gene: COL3A1 (collagen type III alpha 1 chain; plus strand). Cytogenetic location: 2q32.2.
Variant type: single nucleotide variant.
Coding change: c.3596G>T on transcript NM_000090.4 (MANE Select); coding-DNA position 3596, G replaced by T.
Protein change: p.Gly1199Val; replaces glycine 1199 with valine.
Molecular consequence: missense variant.
Genome position (GRCh38, 1-based): chr2:189,008,994, G>T. VCF-style: chr2-189008994-G-T. GRCh37 (hg19) VCF-style: chr2-189873720-G-T.
Other names: short protein forms G1199V.
Identifiers: ClinVar variation 927732 (VCV000927732.6), dbSNP rs1688658772, ClinGen allele CA349846709.

ClinVar aggregate classification (germline): Uncertain significance. Review status: criteria provided, multiple submitters, no conflicts (2 of 4 stars). 2 submissions from 2 submitters: Uncertain significance (2). Last evaluated 2023-12-18.

Conditions:
Familial thoracic aortic aneurysm and aortic dissection (TAAD). Also called: Thoracic aortic aneurysms and dissections. Identifiers: Orphanet 91387, MedGen C4707243, MONDO:0019625.
Ehlers-Danlos syndrome, type 4 (EDSVASC). Also called: Ehlers-Danlos syndrome vascular type; Ehlers Danlos syndrome, ecchymotic type; Ehlers Danlos syndrome, arterial type; Ehlers Danlos syndrome, Sack-Barabas type; Ehlers-Danlos Syndrome Type IV. Identifiers: Orphanet 286, MedGen C0268338, MONDO:0017314, OMIM 130050.

Submissions (2):

All of Us Research Program, National Institutes of Health
Classification: Uncertain significance for Ehlers-Danlos syndrome, type 4. Last evaluated: 2023-12-18. Review status: criteria provided, single submitter. Criteria: ACMG Guidelines, 2015. Collection method: clinical testing. Allele origin: germline. Inheritance: Autosomal dominant inheritance. Observed: 1 variant allele, 1 heterozygote.
Comment: Variant of Uncertain Significance due to insufficient evidence: This missense variant replaces glycine with valine at codon 1199 of the COL3A1 protein. Computational prediction tools and conservation analyses suggest that this variant may not impact the protein function. Computational splicing tools suggest that this variant may not impact RNA splicing. To our knowledge, functional assays have not been performed for this variant nor has this variant been reported in individuals affected with cardiovascular disorders in the literature. This variant is rare in the general population and has been identified in 0/277264 chromosomes by the Genome Aggregation Database (gnomAD). Available evidence is insufficient to determine the pathogenicity of this variant conclusively.

This study involves interpretation of variants in research participants for the purpose of population health screening. Participant phenotype was not available at the time of variant classification. Additional details can be found in publication PMID: 35346344, PMCID: PMC8962531

Color Diagnostics, LLC DBA Color Health
Classification: Uncertain significance for Familial thoracic aortic aneurysm and aortic dissection. Last evaluated: 2023-11-22. Review status: criteria provided, single submitter. Criteria: ACMG Guidelines, 2015. Collection method: clinical testing. Allele origin: germline.
Comment: This missense variant replaces glycine with valine at codon 1199 of the COL3A1 protein. Computational prediction tool indicates that this variant may have a neutral impact on protein structure and function. To our knowledge, functional studies have not been reported for this variant. This variant has not been reported in individuals affected with COL3A1-related disorders in the literature. This variant has not been identified in the general population by the Genome Aggregation Database (gnomAD). The available evidence is insufficient to determine the role of this variant in disease conclusively. Therefore, this variant is classified as a Variant of Uncertain Significance.